The following is an entry in ClinVar:

ClinVar aggregate classification (germline): Uncertain significance (1 of 4 stars; one submission).

Conditions:
Charcot-Marie-Tooth disease axonal type 2Z. Also called: CHARCOT-MARIE-TOOTH DISEASE, AXONAL, AUTOSOMAL DOMINANT, TYPE 2Z; CHARCOT-MARIE-TOOTH NEUROPATHY, TYPE 2Z. Identifiers: Orphanet 466768, MedGen C5569025, MONDO:0014736, OMIM 616688.

Allele frequency attached by ClinVar (database versions not stated): TOPMed 0.00001; ExAC 0.00002; gnomAD exomes 0.00002 and 0.00003; gnomAD 0.00003.
gnomAD v4.1: 51 of 1,613,924 alleles (0.0032%); highest among the groups gnomAD compares: Non-Finnish European, 0.0042%; no homozygotes.

Submission:

Labcorp Genetics (formerly Invitae), Labcorp
Classification: Uncertain significance for Charcot-Marie-Tooth disease axonal type 2Z. Last evaluated: 2025-10-09. Review status: criteria provided, single submitter. Criteria: Invitae Variant Classification Sherloc (09022015). Collection method: clinical testing. Allele origin: germline.
Comment: This sequence change replaces threonine, which is neutral and polar, with alanine, which is neutral and non-polar, at codon 982 of the MORC2 protein (p.Thr982Ala). This variant is present in population databases (rs771410096, gnomAD 0.004%). This variant has not been reported in the literature in individuals affected with MORC2-related conditions. ClinVar contains an entry for this variant (Variation ID: 475590). Invitae Evidence Modeling of protein sequence and biophysical properties (such as structural, functional, and spatial information, amino acid conservation, physicochemical variation, residue mobility, and thermodynamic stability) indicates that this missense variant is not expected to disrupt MORC2 protein function with a negative predictive value of 95%. In summary, the available evidence is currently insufficient to determine the role of this variant in disease. Therefore, it has been classified as a Variant of Uncertain Significance.

NM_001303256.3(MORC2):c.2944A>G (p.Thr982Ala)

Gene: MORC2 (MORC family CW-type zinc finger 2; minus strand). Cytogenetic location: 22q12.2.
Variant type: single nucleotide variant.
Coding change: c.2944A>G on transcript NM_001303256.3 (MANE Select); coding-DNA position 2944, A replaced by G.
Protein change: p.Thr982Ala; replaces threonine 982 with alanine.
Molecular consequence: missense variant.
Genome position (GRCh38, 1-based): chr22:30,928,105, T>C on the plus strand (A>G on the coding strand, the complement: MORC2 is on the minus strand). VCF-style: chr22-30928105-T-C. GRCh37 (hg19) VCF-style: chr22-31324092-T-C.
Other names: c.2944A>G, p.Thr982Ala (NM_001303257.2); c.2758A>G, p.Thr920Ala (NM_014941.3); short protein forms T920A, T982A.
Identifiers: ClinVar variation 475590 (VCV000475590.9), dbSNP rs771410096, ClinGen allele CA10186510.